The following is an entry in ClinVar:

ClinVar aggregate classification (germline): Uncertain significance (0 of 4 stars; one submission).

Conditions:
LMX1A-related disorder. Also called: LMX1A-related condition.

Submission:

PreventionGenetics, part of Exact Sciences
Classification: Uncertain significance for LMX1A-related condition. Last evaluated: 2024-07-18. Review status: no assertion criteria provided. Collection method: clinical testing. Allele origin: germline.
Comment: The LMX1A c.263+3_263+6delAAGT variant is predicted to result in an intronic deletion. This variant is predicted to weaken the canonical splice donor site (SpliceAI, Jaganathan et al. 2019. PubMed ID: 30661751). To our knowledge, this variant has not been reported in the literature or in a large population database, indicating this variant is rare. At this time, the clinical significance of this variant is uncertain due to the absence of conclusive functional and genetic evidence.

NM_177398.4(LMX1A):c.263+3_263+6del

Gene: LMX1A (LIM homeobox transcription factor 1 alpha; minus strand). Cytogenetic location: 1q23.3.
Variant type: Microsatellite.
Coding change: c.263+3_263+6del on transcript NM_177398.4 (MANE Select); bases 3 to 6 of the intron after coding-DNA position 263, 4 bases deleted (AAGT; older notation c.263+3_263+6delAAGT).
Molecular consequence: splice donor variant.
Genome position (GRCh38, 1-based): chr1:165,353,070-165,353,073, ACTT deleted on the plus strand (AAGT on the coding strand, the reverse complement: LMX1A is on the minus strand); deleting any 4 consecutive bases within chr1:165,353,070-165,353,077 gives the same sequence; the c. name uses the placement nearest the transcript's 3' end. VCF-style (leftmost placement, unchanged base first): chr1-165353069-CACTT-C. GRCh37 (hg19) VCF-style: chr1-165322306-CACTT-C.
Other names: c.263+3_263+6del (NM_001174069.2).
Identifiers: ClinVar variation 3346050 (VCV003346050.1).